The following is an entry in ClinVar:

ClinVar aggregate classification (germline): Uncertain significance. Review status: criteria provided, multiple submitters, no conflicts (2 of 4 stars). 3 submissions from 3 submitters: Uncertain significance (3). Last evaluated 2024-04-15.

Conditions:
Inborn genetic diseases. Identifiers: MedGen C0950123, MeSH D030342.

Allele frequency attached by ClinVar (database versions not stated): ExAC 0.00001; gnomAD 0.00001; gnomAD exomes 0.00001 and 0.00002; TOPMed 0.00003.
gnomAD v4.1: 16 of 1,614,072 alleles (0.00099%); highest among the groups gnomAD compares: African/African-American, 0.0053%; no homozygotes.

Submissions (3):

Labcorp Genetics (formerly Invitae), Labcorp
Classification: Uncertain significance. Last evaluated: 2024-04-15. Review status: criteria provided, single submitter. Criteria: Invitae Variant Classification Sherloc (09022015). Collection method: clinical testing. Allele origin: germline.
Comment: This sequence change replaces arginine, which is basic and polar, with histidine, which is basic and polar, at codon 127 of the CAPN5 protein (p.Arg127His). This variant is present in population databases (rs377123751, gnomAD 0.009%). This variant has not been reported in the literature in individuals affected with CAPN5-related conditions. ClinVar contains an entry for this variant (Variation ID: 841639). Advanced modeling of protein sequence and biophysical properties (such as structural, functional, and spatial information, amino acid conservation, physicochemical variation, residue mobility, and thermodynamic stability) performed at Invitae indicates that this missense variant is not expected to disrupt CAPN5 protein function with a negative predictive value of 80%. In summary, the available evidence is currently insufficient to determine the role of this variant in disease. Therefore, it has been classified as a Variant of Uncertain Significance.

Blueprint Genetics
Classification: Uncertain significance. Last evaluated: 2024-02-22. Review status: criteria provided, single submitter. Criteria: ACMG Guidelines, 2015. Collection method: clinical testing. Allele origin: germline.

Ambry Genetics
Classification: Uncertain significance for Inborn genetic diseases. Last evaluated: 2022-03-23. Review status: criteria provided, single submitter. Criteria: Ambry Variant Classification Scheme 2023. Collection method: clinical testing. Allele origin: germline.

NM_004055.5(CAPN5):c.380G>A (p.Arg127His)

Gene: CAPN5 (calpain 5; plus strand). Cytogenetic location: 11q13.5.
Variant type: single nucleotide variant.
Coding change: c.380G>A on transcript NM_004055.5 (MANE Select); coding-DNA position 380, G replaced by A.
Protein change: p.Arg127His; replaces arginine 127 with histidine.
Molecular consequence: missense variant.
Genome position (GRCh38, 1-based): chr11:77,112,671, G>A. VCF-style: chr11-77112671-G-A. GRCh37 (hg19) VCF-style: chr11-76823717-G-A.
Other names: short protein forms R127H.
Identifiers: ClinVar variation 841639 (VCV000841639.11), dbSNP rs377123751, ClinGen allele CA6196423.